The following is an entry in ClinVar:

NM_152424.4(AMER1):c.833C>T (p.Ala278Val)

Gene: AMER1 (APC membrane recruitment protein 1; minus strand). Cytogenetic location: Xq11.2.
Variant type: single nucleotide variant.
Coding change: c.833C>T on transcript NM_152424.4 (MANE Select); coding-DNA position 833, C replaced by T.
Protein change: p.Ala278Val; replaces alanine 278 with valine.
Molecular consequence: missense variant.
Genome position (GRCh38, 1-based): chrX:64,192,454, G>A on the plus strand (C>T on the coding strand, the complement: AMER1 is on the minus strand). VCF-style: chrX-64192454-G-A. GRCh37 (hg19) VCF-style: chrX-63412334-G-A.
Other names: short protein forms A278V.
Identifiers: ClinVar variation 3694025 (VCV003694025.2).

ClinVar aggregate classification (germline): Uncertain significance (1 of 4 stars; one submission).

Submission:

Labcorp Genetics (formerly Invitae), Labcorp
Classification: Uncertain significance. Last evaluated: 2024-03-13. Review status: criteria provided, single submitter. Criteria: Invitae Variant Classification Sherloc (09022015). Collection method: clinical testing. Allele origin: germline.
Comment: This sequence change replaces alanine, which is neutral and non-polar, with valine, which is neutral and non-polar, at codon 278 of the AMER1 protein (p.Ala278Val). This variant is not present in population databases (gnomAD no frequency). This variant has not been reported in the literature in individuals affected with AMER1-related conditions. Algorithms developed to predict the effect of missense changes on protein structure and function output the following: SIFT: "Not Available"; PolyPhen-2: "Benign"; Align-GVGD: "Not Available". The valine amino acid residue is found in multiple mammalian species, which suggests that this missense change does not adversely affect protein function. In summary, the available evidence is currently insufficient to determine the role of this variant in disease. Therefore, it has been classified as a Variant of Uncertain Significance.